The following is an entry in ClinVar:

ClinVar aggregate classification (germline): Conflicting classifications of pathogenicity. Review status: criteria provided, conflicting classifications (1 of 4 stars). 2 submissions from 2 submitters: Uncertain significance (1); Likely benign (1). Last evaluated 2025-09-15.

Conditions:
Hereditary cancer-predisposing syndrome. Also called: Hereditary Cancer Syndrome; Neoplastic Syndromes, Hereditary; Hereditary neoplastic syndrome; Tumor predisposition. Identifiers: Orphanet 140162, MedGen C0027672, MeSH D009386, MONDO:0015356.
Familial adenomatous polyposis 2. Also called: COLORECTAL ADENOMATOUS POLYPOSIS, AUTOSOMAL RECESSIVE; ADENOMAS, MULTIPLE COLORECTAL, AUTOSOMAL RECESSIVE; MUTYH-associated polyposis; MUTYH Polyposis; Adenomas, multiple colorectal; MUTYH-related attenuated familial adenomatous polyposis. Identifiers: Orphanet 220460, Orphanet 247798, MedGen C3272841, MONDO:0012041, OMIM 608456.

Submissions (2):

Ambry Genetics
Classification: Likely benign for Hereditary cancer-predisposing syndrome. Last evaluated: 2025-09-15. Review status: criteria provided, single submitter. Criteria: Ambry Variant Classification Scheme 2023. Collection method: clinical testing. Allele origin: germline.

Labcorp Genetics (formerly Invitae), Labcorp
Classification: Uncertain significance for Familial adenomatous polyposis 2. Last evaluated: 2021-04-28. Review status: criteria provided, single submitter. Criteria: Invitae Variant Classification Sherloc (09022015). Collection method: clinical testing. Allele origin: germline.
Comment: In summary, the available evidence is currently insufficient to determine the role of this variant in disease. Therefore, it has been classified as a Variant of Uncertain Significance. Algorithms developed to predict the effect of missense changes on protein structure and function do not agree on the potential impact of this missense change (SIFT: "Deleterious"; PolyPhen-2: "Benign"; Align-GVGD: "Class C55"). This variant has not been reported in the literature in individuals with MUTYH-related disease. This variant is not present in population databases (ExAC no frequency). This sequence change replaces threonine with alanine at codon 291 of the MUTYH protein (p.Thr291Ala). The threonine residue is highly conserved and there is a small physicochemical difference between threonine and alanine.

NM_001048174.2(MUTYH):c.787A>G (p.Thr263Ala)

Gene: MUTYH (mutY DNA glycosylase; minus strand). Cytogenetic location: 1p34.1.
Variant type: single nucleotide variant.
Coding change: c.787A>G on transcript NM_001048174.2 (MANE Select); coding-DNA position 787, A replaced by G.
Protein change: p.Thr263Ala; replaces threonine 263 with alanine.
Molecular consequence: missense variant. On other transcripts: non-coding transcript variant (2).
Genome position (GRCh38, 1-based): chr1:45,332,228, T>C on the plus strand (A>G on the coding strand, the complement: MUTYH is on the minus strand). VCF-style: chr1-45332228-T-C. GRCh37 (hg19) VCF-style: chr1-45797900-T-C.
Other names: c.871A>G (NM_001128425.1); c.787A>G, p.Thr263Ala (NM_001048171.2, NM_001048173.2, NM_001293195.2); c.790A>G, p.Thr264Ala (NM_001048172.2); c.871A>G, p.Thr291Ala (NM_001128425.2); c.832A>G, p.Thr278Ala (NM_001293190.2); c.820A>G, p.Thr274Ala (NM_001293191.2); c.511A>G, p.Thr171Ala (NM_001293192.2, NM_001293196.2); c.442A>G, p.Thr148Ala (NM_001350650.2, NM_001350651.2); and 1 more; short protein forms T148A, T171A, T291A, T274A, T288A, T263A, T264A, T278A.
Identifiers: ClinVar variation 1412936 (VCV001412936.10), dbSNP rs1570401055, ClinGen allele CA340134506.